The following is an entry in ClinVar:

ClinVar aggregate classification (germline): Conflicting classifications of pathogenicity. Review status: criteria provided, conflicting classifications (1 of 4 stars). 8 submissions from 8 submitters: Uncertain significance (5); Likely benign (3). Last evaluated 2026-06-19.

Conditions:
FLNC-related disorder. Also called: FLNC-related condition; FLNC-related disorders.
Hypertrophic cardiomyopathy 26. Also called: Cardiomyopathy, familial hypertrophic, 26. Identifiers: Orphanet 75249, MedGen C4310749, MONDO:0014883, OMIM 617047.
Distal myopathy with posterior leg and anterior hand involvement. Also called: WILLIAMS DISTAL MYOPATHY. Identifiers: Orphanet 63273, MedGen C3279722, MONDO:0013550, OMIM 614065.
Myofibrillar myopathy 5. Also called: Filaminopathy (type); FILAMINOPATHY, AUTOSOMAL DOMINANT. Identifiers: Orphanet 171445, MedGen C1836050, MONDO:0012289, OMIM 609524.
Cardiovascular phenotype. Identifiers: MedGen CN230736.

Allele frequency attached by ClinVar (database versions not stated): ExAC 0.00002; gnomAD exomes 0.00004; 1000 Genomes Project 30x 0.00265.

Submissions (8):

PreventionGenetics, part of Exact Sciences
Classification: Uncertain significance for FLNC-related condition. Last evaluated: 2026-06-19. Review status: criteria provided, single submitter. Criteria: ACMG Guidelines, 2015. Collection method: clinical testing. Allele origin: germline.
Comment: The FLNC c.7877G>A variant is predicted to result in the amino acid substitution p.Ser2626Asn. To our knowledge, this variant has not been reported in the literature. This variant is reported in 0.021% of alleles in individuals of African descent in gnomAD. Although we suspect that this variant may be benign, at this time, the clinical significance of this variant is uncertain due to the absence of conclusive functional and genetic evidence.

Labcorp Genetics (formerly Invitae), Labcorp
Classification: Uncertain significance for Distal myopathy with posterior leg and anterior hand involvement; Myofibrillar myopathy 5; Hypertrophic cardiomyopathy 26. Last evaluated: 2026-01-21. Review status: criteria provided, single submitter. Criteria: Invitae Variant Classification Sherloc (09022015). Collection method: clinical testing. Allele origin: germline.
Comment: This sequence change replaces serine, which is neutral and polar, with asparagine, which is neutral and polar, at codon 2626 of the FLNC protein (p.Ser2626Asn). The frequency data for this variant in the population databases is considered unreliable, as metrics indicate poor data quality at this position in the gnomAD database. This variant has not been reported in the literature in individuals affected with FLNC-related conditions. ClinVar contains an entry for this variant (Variation ID: 577441). An algorithm developed to predict the effect of missense changes on protein structure and function (PolyPhen-2) suggests that this variant is likely to be tolerated. In summary, the available evidence is currently insufficient to determine the role of this variant in disease. Therefore, it has been classified as a Variant of Uncertain Significance.

Molecular Diagnostic Laboratory for Inherited Cardiovascular Disease, Montreal Heart Institute
Classification: Uncertain significance for Cardiovascular phenotype. Last evaluated: 2025-07-24. Review status: criteria provided, single submitter. Criteria: ACMG Guidelines, 2015. Collection method: clinical testing. Allele origin: germline. Affected: yes.

Revvity Omics, Revvity
Classification: Uncertain significance. Last evaluated: 2025-06-02. Review status: criteria provided, single submitter. Criteria: ACMG Guidelines, 2015. Collection method: clinical testing. Allele origin: germline.

Women's Health and Genetics/Laboratory Corporation of America, LabCorp
Classification: Likely benign. Last evaluated: 2024-11-22. Review status: criteria provided, single submitter. Criteria: LabCorp Variant Classification Summary - May 2015. Collection method: clinical testing. Allele origin: germline.
Comment: Variant summary: FLNC c.7877G>A (p.Ser2626Asn) results in a conservative amino acid change in the encoded protein sequence. Three of five in-silico tools predict a benign effect of the variant on protein function. The variant allele was found at a frequency of 4.4e-05 in 248742 control chromosomes. The observed variant frequency is approximately 5.5 fold of the estimated maximal expected allele frequency for a pathogenic variant in FLNC causing Dilated Cardiomyopathy phenotype (7.8e-06). To our knowledge, no occurrence of c.7877G>A in individuals affected with Dilated Cardiomyopathy and no experimental evidence demonstrating its impact on protein function have been reported. ClinVar contains an entry for this variant (Variation ID: 577441). Based on the evidence outlined above, the variant was classified as likely benign.

Blueprint Genetics
Classification: Likely benign. Last evaluated: 2024-11-21. Review status: criteria provided, single submitter. Criteria: ACMG Guidelines, 2015. Collection method: clinical testing. Allele origin: germline.

Mayo Clinic Laboratories, Mayo Clinic
Classification: Uncertain significance. Last evaluated: 2023-12-06. Review status: criteria provided, single submitter. Criteria: ACMG Guidelines, 2015. Collection method: clinical testing. Allele origin: germline. Observed: 1 variant allele.

GeneDx
Classification: Likely benign. Last evaluated: 2019-12-17. Review status: criteria provided, single submitter. Criteria: GeneDx Variant Classification Process June 2021. Collection method: clinical testing. Allele origin: germline. Affected: yes.
Comment: Has not been previously published as pathogenic or benign to our knowledge; In silico analysis, which includes protein predictors and evolutionary conservation, supports that this variant does not alter protein structure/function

NM_001458.5(FLNC):c.7877G>A (p.Ser2626Asn)

Genes: FLNC (filamin C; plus strand), FLNC-AS1 (FLNC antisense RNA 1; minus strand). Cytogenetic location: 7q32.1.
Variant type: single nucleotide variant.
Coding change: c.7877G>A on transcript NM_001458.5 (MANE Select); coding-DNA position 7877, G replaced by A.
Protein change: p.Ser2626Asn; replaces serine 2626 with asparagine.
Molecular consequence: missense variant.
Genome position (GRCh38, 1-based): chr7:128,858,104, G>A. VCF-style: chr7-128858104-G-A. GRCh37 (hg19) VCF-style: chr7-128498158-G-A.
Other names: p.Ser2626Asn; c.7778G>A, p.Ser2593Asn (NM_001127487.2); short protein forms S2626N, S2593N.
Identifiers: ClinVar variation 577441 (VCV000577441.18), dbSNP rs2639142, ClinGen allele CA4476376.